The following is an entry in ClinVar:

NM_001754.5(RUNX1):c.1312G>C (p.Gly438Arg)

Gene: RUNX1 (RUNX family transcription factor 1; minus strand). Cytogenetic location: 21q22.12.
Variant type: single nucleotide variant.
Coding change: c.1312G>C on transcript NM_001754.5 (MANE Select); coding-DNA position 1312, G replaced by C.
Protein change: p.Gly438Arg; replaces glycine 438 with arginine.
Molecular consequence: missense variant.
Genome position (GRCh38, 1-based): chr21:34,792,266, C>G on the plus strand (G>C on the coding strand, the complement: RUNX1 is on the minus strand). VCF-style: chr21-34792266-C-G. GRCh37 (hg19) VCF-style: chr21-36164563-C-G.
Other names: c.1231G>C, p.Gly411Arg (NM_001001890.3); short protein forms G411R, G438R.
Identifiers: ClinVar variation 4771260 (VCV004771260.1).

ClinVar aggregate classification (germline): Uncertain significance (1 of 4 stars; one submission).

Conditions:
Hereditary thrombocytopenia and hematological cancer predisposition syndrome associated with RUNX1. Also called: Familial Platelet Disorder with Propensity to Acute Myelogenous Leukemia; Familial thrombocytopenia with propensity to acute myelogenous leukemia; PLATELET DISORDER, ASPIRIN-LIKE; RUNX1 Familial Platelet Disorder with Associated Myeloid Malignancies. Identifiers: Orphanet 71290, MedGen C1832388, MeSH C563324, MONDO:0100083, OMIM 601399.

gnomAD v4.1: 2 of 1,512,012 alleles (0.00013%); highest among the groups gnomAD compares: Non-Finnish European, 0.000088%; no homozygotes.

Submission:

Labcorp Genetics (formerly Invitae), Labcorp
Classification: Uncertain significance for Hereditary thrombocytopenia and hematological cancer predisposition syndrome associated with RUNX1. Last evaluated: 2025-11-02. Review status: criteria provided, single submitter. Criteria: Invitae Variant Classification Sherloc (09022015). Collection method: clinical testing. Allele origin: germline.
Comment: This sequence change replaces glycine, which is neutral and non-polar, with arginine, which is basic and polar, at codon 438 of the RUNX1 protein (p.Gly438Arg). This variant is not present in population databases (gnomAD no frequency). This variant has not been reported in the literature in individuals affected with RUNX1-related conditions. Invitae Evidence Modeling of protein sequence and biophysical properties (such as structural, functional, and spatial information, amino acid conservation, physicochemical variation, residue mobility, and thermodynamic stability) has been performed for this missense variant. However, the output from this modeling did not meet the statistical confidence thresholds required to predict the impact of this variant on RUNX1 protein function. In summary, the available evidence is currently insufficient to determine the role of this variant in disease. Therefore, it has been classified as a Variant of Uncertain Significance.